The following is an entry in ClinVar:

ClinVar aggregate classification (germline): Uncertain significance (1 of 4 stars; one submission).

Submission:

Women's Health and Genetics/Laboratory Corporation of America, LabCorp
Classification: Uncertain significance. Last evaluated: 2019-12-30. Review status: criteria provided, single submitter. Criteria: LabCorp Variant Classification Summary - May 2015. Collection method: clinical testing. Allele origin: germline.
Comment: Variant summary: RASA2 c.1580C>T (p.Pro527Leu) results in a non-conservative amino acid change located in the Ras GTPase-activating domain (IPR001936) of the encoded protein sequence. Four of five in-silico tools predict a damaging effect of the variant on protein function. The variant was absent in 247936 control chromosomes (gnomAD). The available data on variant occurrences in the general population are insufficient to allow any conclusion about variant significance. To our knowledge, no occurrence of c.1580C>T in individuals affected with Noonan Syndrome and Related Conditions and no experimental evidence demonstrating its impact on protein function have been reported. No clinical diagnostic laboratories have submitted clinical-significance assessments for this variant to ClinVar after 2014. Based on the evidence outlined above, the variant was classified as uncertain significance.

NM_006506.5(RASA2):c.1580C>T (p.Pro527Leu)

Gene: RASA2 (RAS p21 protein activator 2; plus strand). Cytogenetic location: 3q23.
Variant type: single nucleotide variant.
Coding change: c.1580C>T on transcript NM_006506.5 (MANE Select); coding-DNA position 1580, C replaced by T.
Protein change: p.Pro527Leu; replaces proline 527 with leucine.
Molecular consequence: missense variant.
Genome position (GRCh38, 1-based): chr3:141,577,096, C>T. VCF-style: chr3-141577096-C-T. GRCh37 (hg19) VCF-style: chr3-141295938-C-T.
Other names: c.1580C>T, p.Pro527Leu (NM_001303245.3, NM_001303246.3); short protein forms P527L.
Identifiers: ClinVar variation 928646 (VCV000928646.1), dbSNP rs2083025042, ClinGen allele CA354779106.
Genomic context (GRCh38, chr3:141,577,096, plus strand): 5'-TTGTATTTCTTCGTTTCTTTGCTGTAGCCGTAGTATCACCTCATACTTTTCATTTGCGAC[C>T]TCATCATCCAGTAAGTGTTCATTCTTCTGAAAGCTTTATTCCATTTTTTTAATTTTTATT-3'
Protein context (NP_006497.2, residues 517-537): VVSPHTFHLR[Pro527Leu]HHPDAQTIRT